The following is an entry in ClinVar:

ClinVar aggregate classification (germline): Uncertain significance. Review status: criteria provided, multiple submitters, no conflicts (2 of 4 stars). 2 submissions from 2 submitters: Uncertain significance (2). Last evaluated 2022-11-08.

Conditions:
Inborn genetic diseases. Identifiers: MedGen C0950123, MeSH D030342.

Allele frequency attached by ClinVar (database versions not stated): TOPMed below 0.00001; ExAC 0.00003; gnomAD 0.00001; gnomAD exomes 0.00002.
gnomAD v4.1: 35 of 1,588,594 alleles (0.0022%); highest among the groups gnomAD compares: Non-Finnish European, 0.0027%; no homozygotes.

Submissions (2):

Ambry Genetics
Classification: Uncertain significance for Inborn genetic diseases. Last evaluated: 2022-11-08. Review status: criteria provided, single submitter. Criteria: Ambry Variant Classification Scheme 2023. Collection method: clinical testing. Allele origin: germline.

Labcorp Genetics (formerly Invitae), Labcorp
Classification: Uncertain significance. Last evaluated: 2022-04-10. Review status: criteria provided, single submitter. Criteria: Invitae Variant Classification Sherloc (09022015). Collection method: clinical testing. Allele origin: germline.
Comment: This sequence change replaces threonine, which is neutral and polar, with isoleucine, which is neutral and non-polar, at codon 287 of the DZIP1L protein (p.Thr287Ile). In summary, the available evidence is currently insufficient to determine the role of this variant in disease. Therefore, it has been classified as a Variant of Uncertain Significance. Algorithms developed to predict the effect of missense changes on protein structure and function (SIFT, PolyPhen-2, Align-GVGD) all suggest that this variant is likely to be tolerated. This variant has not been reported in the literature in individuals affected with DZIP1L-related conditions. This variant is present in population databases (rs779020552, gnomAD 0.005%).

NM_173543.3(DZIP1L):c.860C>T (p.Thr287Ile)

Gene: DZIP1L (DAZ interacting zinc finger protein 1 like; minus strand). Cytogenetic location: 3q22.3.
Variant type: single nucleotide variant.
Coding change: c.860C>T on transcript NM_173543.3 (MANE Select); coding-DNA position 860, C replaced by T.
Protein change: p.Thr287Ile; replaces threonine 287 with isoleucine.
Molecular consequence: missense variant.
Genome position (GRCh38, 1-based): chr3:138,092,393, G>A on the plus strand (C>T on the coding strand, the complement: DZIP1L is on the minus strand). VCF-style: chr3-138092393-G-A. GRCh37 (hg19) VCF-style: chr3-137811235-G-A.
Other names: c.860C>T, p.Thr287Ile (NM_001170538.1); short protein forms T287I.
Identifiers: ClinVar variation 2043937 (VCV002043937.5), dbSNP rs779020552, ClinGen allele CA2635145.
Genomic context (GRCh38, chr3:138,092,393, plus strand): 5'-TAAGCAGATTTCCAACAAAGAAACTTTAAAAAGCCTTTTATGTTGGGTACCTCTTCTAGT[G>A]TAGAGTTCTGCTTGGCGACATTTTTAAATTCATCCCAAAATAATTTTTTTAGTTTATCTA-3'
Protein context (NP_775814.2, residues 277-297): EFKNVAKQNS[Thr287Ile]LEEKLRALQS